The following is an entry in ClinVar:

NM_022124.6(CDH23):c.6343C>A (p.Arg2115Ser)

Gene: CDH23 (cadherin related 23; plus strand). Cytogenetic location: 10q22.1.
Variant type: single nucleotide variant.
Coding change: c.6343C>A on transcript NM_022124.6 (MANE Select); coding-DNA position 6343, C replaced by A.
Protein change: p.Arg2115Ser; replaces arginine 2115 with serine.
Molecular consequence: missense variant.
Genome position (GRCh38, 1-based): chr10:71,793,271, C>A. VCF-style: chr10-71793271-C-A. GRCh37 (hg19) VCF-style: chr10-73553028-C-A.
Other names: c.6343C>A (NM_022124.5); short protein forms R2115S.
Identifiers: ClinVar variation 1472044 (VCV001472044.7), dbSNP rs375329233, ClinGen allele CA377154440.

ClinVar aggregate classification (germline): Uncertain significance. Review status: criteria provided, single submitter (1 of 4 stars). 2 submissions from 2 submitters: Uncertain significance (1). 1 of the submissions does not count toward it. Last evaluated 2021-08-11.

Conditions:
Usher syndrome type 1 (USH1). Also called: RETINITIS PIGMENTOSA AND CONGENITAL DEAFNESS. Identifiers: Orphanet 231169, Orphanet 886, MedGen C1568247, MONDO:0010168, OMIM 276900.

gnomAD v4.1: 1 of 1,613,902 alleles (0.000062%); highest among the groups gnomAD compares: Non-Finnish European, 0.000085%; no homozygotes.

Submissions (2):

Labcorp Genetics (formerly Invitae), Labcorp
Classification: Uncertain significance. Last evaluated: 2021-08-11. Review status: criteria provided, single submitter. Criteria: Invitae Variant Classification Sherloc (09022015). Collection method: clinical testing. Allele origin: germline.
Comment: This variant is not present in population databases (ExAC no frequency). This sequence change replaces arginine with serine at codon 2115 of the CDH23 protein (p.Arg2115Ser). The arginine residue is highly conserved and there is a moderate physicochemical difference between arginine and serine. This variant has not been reported in the literature in individuals affected with CDH23-related conditions. Algorithms developed to predict the effect of missense changes on protein structure and function are either unavailable or do not agree on the potential impact of this missense change (SIFT: "Deleterious"; PolyPhen-2: "Not Available"; Align-GVGD: "Class C65"). In summary, the available evidence is currently insufficient to determine the role of this variant in disease. Therefore, it has been classified as a Variant of Uncertain Significance.

Natera, Inc.
Classification: Uncertain significance for Usher syndrome type 1. Last evaluated: 2025-02-05. Review status: no assertion criteria provided. Collection method: clinical testing. Allele origin: germline. Not counted in ClinVar's aggregate classification.